The following is an entry in ClinVar:

ClinVar aggregate classification (germline): Uncertain significance. Review status: criteria provided, multiple submitters, no conflicts (2 of 4 stars). 2 submissions from 2 submitters: Uncertain significance (2). Last evaluated 2025-08-27.

Conditions:
Familial adenomatous polyposis 2. Also called: MUTYH-associated polyposis; MUTYH-related attenuated familial adenomatous polyposis; FAP type 2; Adenomas, multiple colorectal; MYH-associated polyposis; MUTYH Polyposis. Identifiers: Orphanet 220460, Orphanet 247798, MedGen C3272841, MONDO:0012041, OMIM 608456.
Hereditary cancer-predisposing syndrome. Also called: Hereditary Cancer Syndrome; Hereditary neoplastic syndrome; Neoplastic Syndromes, Hereditary; Tumor predisposition. Identifiers: Orphanet 140162, MedGen C0027672, MeSH D009386, MONDO:0015356.

Submissions (2):

Ambry Genetics
Classification: Uncertain significance for Hereditary cancer-predisposing syndrome. Last evaluated: 2025-08-27. Review status: criteria provided, single submitter. Criteria: Ambry Variant Classification Scheme 2023. Collection method: clinical testing. Allele origin: germline.
Comment: The p.A373T variant (also known as c.1117G>A), located in coding exon 12 of the MUTYH gene, results from a G to A substitution at nucleotide position 1117. The alanine at codon 373 is replaced by threonine, an amino acid with similar properties. This amino acid position is conserved. In addition, the in silico prediction for this alteration is inconclusive. Based on the available evidence, the clinical significance of this variant remains unclear.

Labcorp Genetics (formerly Invitae), Labcorp
Classification: Uncertain significance for Familial adenomatous polyposis 2. Last evaluated: 2022-09-06. Review status: criteria provided, single submitter. Criteria: Invitae Variant Classification Sherloc (09022015). Collection method: clinical testing. Allele origin: germline.
Comment: Algorithms developed to predict the effect of missense changes on protein structure and function are either unavailable or do not agree on the potential impact of this missense change (SIFT: "Tolerated"; PolyPhen-2: "Probably Damaging"; Align-GVGD: "Class C0"). In summary, the available evidence is currently insufficient to determine the role of this variant in disease. Therefore, it has been classified as a Variant of Uncertain Significance. This variant has not been reported in the literature in individuals affected with MUTYH-related conditions. This variant is not present in population databases (gnomAD no frequency). This sequence change replaces alanine, which is neutral and non-polar, with threonine, which is neutral and polar, at codon 373 of the MUTYH protein (p.Ala373Thr).

NM_001048174.2(MUTYH):c.1033G>A (p.Ala345Thr)

Gene: MUTYH (mutY DNA glycosylase; minus strand). Cytogenetic location: 1p34.1.
Variant type: single nucleotide variant.
Coding change: c.1033G>A on transcript NM_001048174.2 (MANE Select); coding-DNA position 1033, G replaced by A.
Protein change: p.Ala345Thr; replaces alanine 345 with threonine.
Molecular consequence: missense variant. On other transcripts: non-coding transcript variant (2).
Genome position (GRCh38, 1-based): chr1:45,331,730, C>T on the plus strand (G>A on the coding strand, the complement: MUTYH is on the minus strand). VCF-style: chr1-45331730-C-T. GRCh37 (hg19) VCF-style: chr1-45797402-C-T.
Other names: c.1033G>A, p.Ala345Thr (NM_001048171.2, NM_001048173.2, NM_001293195.2 and 6 more transcripts); c.1036G>A, p.Ala346Thr (NM_001048172.2, NM_001407071.1, NM_001407078.1 and 1 more transcripts); c.1117G>A, p.Ala373Thr (NM_001128425.2); c.1078G>A, p.Ala360Thr (NM_001293190.2); c.1066G>A, p.Ala356Thr (NM_001293191.2, NM_001407069.1, NM_001407077.1); c.757G>A, p.Ala253Thr (NM_001293192.2, NM_001293196.2, NM_001407091.1); c.688G>A, p.Ala230Thr (NM_001350650.2, NM_001350651.2, NM_001407082.1); c.949G>A, p.Ala317Thr (NM_001407075.1); and 5 more; short protein forms A230T, A253T, A317T, A331T, A332T, A345T, A346T, A352T.
Identifiers: ClinVar variation 1718955 (VCV001718955.6), dbSNP rs1553126489, ClinGen allele CA340133503.